The following is an entry in ClinVar:

ClinVar aggregate classification (germline): Uncertain significance. Review status: criteria provided, multiple submitters, no conflicts (2 of 4 stars). 3 submissions from 3 submitters: Uncertain significance (3). Last evaluated 2025-08-01.

Allele frequency attached by ClinVar (database versions not stated): ExAC 0.00002; gnomAD 0.00002 and 0.00003; TOPMed 0.00005.
gnomAD v4.1: 67 of 1,614,060 alleles (0.0042%); highest among the groups gnomAD compares: East Asian, 0.0089%; 1 homozygote.

Submissions (3):

Ambry Genetics
Classification: Uncertain significance. Last evaluated: 2025-08-01. Review status: criteria provided, single submitter. Criteria: Ambry Variant Classification Scheme 2023. Collection method: clinical testing. Allele origin: germline.

Labcorp Genetics (formerly Invitae), Labcorp
Classification: Uncertain significance. Last evaluated: 2025-02-16. Review status: criteria provided, single submitter. Criteria: Invitae Variant Classification Sherloc (09022015). Collection method: clinical testing. Allele origin: germline.
Comment: This sequence change replaces glutamic acid, which is acidic and polar, with lysine, which is basic and polar, at codon 1575 of the KIAA0556 protein (p.Glu1575Lys). This variant is present in population databases (rs113918339, gnomAD 0.003%). This variant has not been reported in the literature in individuals affected with KIAA0556-related conditions. ClinVar contains an entry for this variant (Variation ID: 1682079). An algorithm developed to predict the effect of missense changes on protein structure and function (PolyPhen-2) suggests that this variant is likely to be disruptive. In summary, the available evidence is currently insufficient to determine the role of this variant in disease. Therefore, it has been classified as a Variant of Uncertain Significance.

GeneDx
Classification: Uncertain significance. Last evaluated: 2024-05-29. Review status: criteria provided, single submitter. Criteria: GeneDx Variant Classification Process June 2021. Collection method: clinical testing. Allele origin: germline. Affected: yes.
Comment: In silico analysis indicates that this missense variant does not alter protein structure/function; Has not been previously published as pathogenic or benign to our knowledge

NM_015202.5(KATNIP):c.4723G>A (p.Glu1575Lys)

Gene: KATNIP (katanin interacting protein; plus strand). Cytogenetic location: 16p12.1.
Variant type: single nucleotide variant.
Coding change: c.4723G>A on transcript NM_015202.5 (MANE Select); coding-DNA position 4723, G replaced by A.
Protein change: p.Glu1575Lys; replaces glutamic acid 1575 with lysine.
Molecular consequence: missense variant.
Genome position (GRCh38, 1-based): chr16:27,777,891, G>A. VCF-style: chr16-27777891-G-A. GRCh37 (hg19) VCF-style: chr16-27789212-G-A.
Other names: c.4723G>A (NM_015202.3, NM_015202.2); short protein forms E1575K.
Identifiers: ClinVar variation 1682079 (VCV001682079.8), dbSNP rs113918339, ClinGen allele CA7978756.